The following is an entry in ClinVar:

ClinVar aggregate classification (germline): Uncertain significance (1 of 4 stars; one submission).

Submission:

Ambry Genetics
Classification: Uncertain significance. Last evaluated: 2024-12-01. Review status: criteria provided, single submitter. Criteria: Ambry Variant Classification Scheme 2023. Collection method: clinical testing. Allele origin: germline.
Comment: The p.E400K variant (also known as c.1198G>A), located in coding exon 12 of the SRP72 gene, results from a G to A substitution at nucleotide position 1198. The glutamic acid at codon 400 is replaced by lysine, an amino acid with similar properties. This amino acid position is conserved. In addition, this alteration is predicted to be tolerated by in silico analysis. Based on the available evidence, the clinical significance of this variant remains unclear.

NM_006947.4(SRP72):c.1198G>A (p.Glu400Lys)

Gene: SRP72 (signal recognition particle 72; plus strand). Cytogenetic location: 4q12.
Variant type: single nucleotide variant.
Coding change: c.1198G>A on transcript NM_006947.4 (MANE Select); coding-DNA position 1198, G replaced by A.
Protein change: p.Glu400Lys; replaces glutamic acid 400 with lysine.
Molecular consequence: missense variant. On other transcripts: non-coding transcript variant (1).
Genome position (GRCh38, 1-based): chr4:56,487,987, G>A. VCF-style: chr4-56487987-G-A. GRCh37 (hg19) VCF-style: chr4-57354153-G-A.
Other names: c.1015G>A, p.Glu339Lys (NM_001267722.2); short protein forms E339K, E400K.
Identifiers: ClinVar variation 3449421 (VCV003449421.1).